The following is an entry in ClinVar:

ClinVar aggregate classification (germline): Pathogenic/Likely pathogenic. Review status: criteria provided, multiple submitters, no conflicts (2 of 4 stars). 30 submissions from 30 submitters: Pathogenic (18); Likely pathogenic (3). 9 of the submissions do not count toward it. Last evaluated 2026-01-19.

Conditions:
ADA2-related disorder. Also called: ADA2-related condition.
Autoinflammatory syndrome. Identifiers: Orphanet 93665, MedGen C3890737, MONDO:0019751.
Inherited Immunodeficiency Diseases. Identifiers: MedGen C5197805, MeSH D000081207.
Deficiency of adenosine deaminase 2. Also called: Polyarteritis nodosa, childhoood-onset; Adenosine Deaminase 2 Deficiency; VASCULITIS, AUTOINFLAMMATION, IMMUNODEFICIENCY, AND HEMATOLOGIC DEFECTS SYNDROME. Identifiers: Orphanet 404553, MedGen C3887654, MONDO:0014306, OMIM 615688, MONDO:0100317.
Sneddon syndrome (SNDNS). Also called: LIVEDO RETICULARIS AND CEREBROVASCULAR ACCIDENTS; Idiopathic livedo reticularis with systemic involvement. Identifiers: Orphanet 820, MedGen C0282492, MONDO:0008436, OMIM 182410.

Allele frequency attached by ClinVar (database versions not stated): 1000 Genomes Project 0.00020; 1000 Genomes Project 30x 0.00031; TOPMed 0.00031; gnomAD 0.00040 and 0.00041; ESP Exome Variant Server 0.00054.
gnomAD v4.1: 810 of 1,614,176 alleles (0.05%); highest among the groups gnomAD compares: Non-Finnish European, 0.057%; no homozygotes.

Submissions 1 to 12 of 30:

Labcorp Genetics (formerly Invitae), Labcorp
Classification: Pathogenic for Deficiency of adenosine deaminase 2. Last evaluated: 2026-01-19. Review status: criteria provided, single submitter. Criteria: Invitae Variant Classification Sherloc (09022015). Collection method: clinical testing. Allele origin: germline.
Comment: This sequence change replaces arginine, which is basic and polar, with glutamine, which is neutral and polar, at codon 169 of the ADA2 protein (p.Arg169Gln). This variant is present in population databases (rs77563738, gnomAD 0.2%), and has an allele count higher than expected for a pathogenic variant. This missense change has been observed in individual(s) with ADA2-related conditions (PMID: 24552284, 24552285, 25888558, 26867732). It has also been observed to segregate with disease in related individuals. ClinVar contains an entry for this variant (Variation ID: 120303). Invitae Evidence Modeling of protein sequence and biophysical properties (such as structural, functional, and spatial information, amino acid conservation, physicochemical variation, residue mobility, and thermodynamic stability) has been performed for this missense variant. However, the output from this modeling did not meet the statistical confidence thresholds required to predict the impact of this variant on ADA2 protein function. Experimental studies have shown that this missense change affects ADA2 function (PMID: 24552285, 26867732). For these reasons, this variant has been classified as Pathogenic.

Genomic Medicine Center of Excellence, King Faisal Specialist Hospital and Research Centre
Classification: Pathogenic for Deficiency of adenosine deaminase 2. Last evaluated: 2025-09-10. Review status: criteria provided, single submitter. Criteria: ACMG Guidelines, 2015. Collection method: clinical testing. Allele origin: germline.

3billion
Classification: Pathogenic for ADA2-related disorder. Last evaluated: 2025-07-08. Review status: criteria provided, single submitter. Criteria: ACMG Guidelines, 2015. Collection method: clinical testing. Allele origin: germline. Affected: yes.
Comment: The variant is observed at an extremely low frequency in the gnomAD v4.1.0 dataset (total allele frequency: 0.050%). Predicted Consequence/Location: Missense variant Functional studies provide strong evidence of the variant having a damaging effect on the gene or gene product (PMID: 24552285, 26867732). In silico tool predictions suggest damaging effect of the variant on gene or gene product [REVEL: 0.87 (>=0.6, sensitivity 0.68 and specificity 0.92); 3Cnet: 0.99 (> 0.75, sensitivity 0.96 and precision 0.92)]. The same nucleotide change resulting in the same amino acid change has been previously reported as pathogenic/likely pathogenic with strong evidence (ClinVar ID: VCV000120303 /PMID: 24552285 /3billion dataset). The variant has been reported to be in trans with a pathogenic variant as either compound heterozygous or homozygous in at least 2 similarly affected unrelated individuals (PMID: 24552284, 24552285, 26867732). Different missense changes at the same codon (p.Arg169Gly, p.Arg169Trp) have been reported as pathogenic/likely pathogenic with strong evidence (ClinVar ID: VCV000956376 /PMID: 33517505, 36239861). Therefore, this variant is classified as Pathogenic according to the recommendation of ACMG/AMP guideline.

Laboratory of Genetics, Children's Clinical University Hospital Latvia
Classification: Pathogenic. Last evaluated: 2025-02-16. Review status: criteria provided, single submitter. Criteria: ACMG Guidelines, 2015. Collection method: clinical testing. Allele origin: germline. Affected: yes.

Dasa
Classification: Pathogenic. Last evaluated: 2025-01-20. Review status: criteria provided, single submitter. Criteria: DASA Assertion Criteria. Collection method: clinical testing. Allele origin: germline.
Comment: NM_001282225.2(ADA2):c.506G>A (p.Arg169Gln) is a missense variant that results in the substitution of arginine with glutamine. The affected residue or protein region has prior evidence supporting clinical relevance. Segregation evidence has been reported in affected families. This variant has been recurrently observed in affected individuals with related phenotype in a genotype context consistent with recessive disease (PMID: 24552285; PMID: 26867732; PMID: 24552284; PMID: 25888558). Functional evidence supports a deleterious effect on the gene or gene product (PMID: 24552285; PMID: 26867732; PMID: 24552284; PMID: 25888558). Multiple computational predictions support a deleterious effect on the gene or gene product. The variant is present at low frequency in population datasets. Based on the available data, this variant is classified as pathogenic.

Blueprint Genetics
Classification: Pathogenic for ADA2-related disorders. Last evaluated: 2024-11-06. Review status: criteria provided, single submitter. Criteria: ACMG Guidelines, 2015. Collection method: clinical testing. Allele origin: germline. Affected: yes. Observed: 5 variant alleles.

Institute of Medical Genetics and Applied Genomics, University Hospital Tübingen
Classification: Pathogenic for Deficiency of adenosine deaminase 2. Last evaluated: 2024-09-24. Review status: criteria provided, single submitter. Criteria: ACMG Guidelines, 2015. Collection method: clinical testing. Allele origin: germline. Inheritance: Autosomal recessive inheritance. Affected: yes.

ARUP Laboratories, Molecular Genetics and Genomics, ARUP Laboratories
Classification: Pathogenic. Last evaluated: 2024-06-10. Review status: criteria provided, single submitter. Criteria: ARUP Molecular Germline Variant Investigation Process 2024. Collection method: clinical testing. Allele origin: germline.
Comment: The ADA2 c.506G>A; p.Arg169Gln variant (rs77563738; ClinVar Variation ID: 120303) is reported in the literature as homozygous or compound heterozygous in at least twelve probands affected with ADA2-associated disorders and also segregated with at least 9 affected relatives (Elkan 2014, Schepp 2016, Van Eyck 2014, Van Eyck 2015, Van Montfrans 2014, Van Montfrans 2016, Westendorp 2015, Zhou 2014). This variant is found in the general population with an overall allele frequency of 0.05% (134/282,860 alleles) in the Genome Aggregation Database (v2.1.1). Computational analyses predict that this variant is deleterious (REVEL: 0.87). Additionally, functional analyses demonstrate that this variant reduces secretion and activity of the protein encoded by ADA2 (Elkan 2014). Based on the available information, the p.Arg169Gln variant is considered pathogenic. References: Elkan et al. Mutant adenosine deaminase 2 in a polyarteritis nodosa vasculopathy. N Engl J Med. 2014 Mar 6;370(10):921-31. PMID: 24552285. Schepp et al. Deficiency of Adenosine Deaminase 2 Causes Antibody Deficiency. J Clin Immunol. 2016 Apr;36(3):179-86. PMID: 26922074. Van Eyck et al. Hematopoietic stem cell transplantation rescues the immunologic phenotype and prevents vasculopathy in patients with adenosine deaminase 2 deficiency. J Allergy Clin Immunol. 2015 Jan;135(1):283-7.e5. PMID: 25457153. Van Eyck et al. Mutant ADA2 in vasculopathies. N Engl J Med. 2014 Jul 31;371(5):478-9. PMID: 25075848. Van Montfrans et al. Mutant ADA2 in vasculopathies. N Engl J Med. 2014 Jul 31;371(5):478. PMID: 25075845. Van Montfrans et al. Phenotypic variability in patients with ADA2 deficiency due to identical homozygous R169Q mutations. Rheumatology (Oxford). 2016 May;55(5):902-10. PMID: 26867732. Westendorp et al. Unexplained early-onset lacunar stroke and inflammatory skin lesions: Consider ADA2 deficiency. Neurology. 2015 May 19;84(20):2092-3. PMID: 25888558. Zhou et al. Early-onset stroke and vasculopathy associated with mutations in ADA2. N Engl J Med. 2014 Mar 6;370(10):911-20. PMID: 24552284.

Revvity Omics, Revvity
Classification: Pathogenic. Last evaluated: 2024-05-28. Review status: criteria provided, single submitter. Criteria: ACMG Guidelines, 2015. Collection method: clinical testing. Allele origin: germline.

Mayo Clinic Laboratories, Mayo Clinic
Classification: Pathogenic. Last evaluated: 2024-04-24. Review status: criteria provided, single submitter. Criteria: ACMG Guidelines, 2015. Collection method: clinical testing. Allele origin: germline.
Comment: PP1, PP3, PM3_strong, PS3_moderate, PS4_moderate

CeGaT Center for Human Genetics Tuebingen
Classification: Pathogenic. Last evaluated: 2022-10-01. Review status: criteria provided, single submitter. Criteria: CeGaT Center For Human Genetics Tuebingen Variant Classification Criteria Version 2. Collection method: clinical testing. Allele origin: germline. Affected: yes. Observed: 5 variant alleles.
Comment: ADA2: PM1:Strong, PS1, PP1, PP2, PP4, PS3:Supporting

Fulgent Genetics
Classification: Likely pathogenic for Sneddon syndrome; Deficiency of adenosine deaminase 2. Last evaluated: 2022-04-29. Review status: criteria provided, single submitter. Criteria: ACMG Guidelines, 2015. Collection method: clinical testing. Allele origin: unknown.

NM_001282225.2(ADA2):c.506G>A (p.Arg169Gln)

Gene: ADA2 (adenosine deaminase 2; minus strand). Cytogenetic location: 22q11.1.
Variant type: single nucleotide variant.
Coding change: c.506G>A on transcript NM_001282225.2 (MANE Select); coding-DNA position 506, G replaced by A.
Protein change: p.Arg169Gln; replaces arginine 169 with glutamine.
Molecular consequence: missense variant.
Genome position (GRCh38, 1-based): chr22:17,207,107, C>T on the plus strand (G>A on the coding strand, the complement: ADA2 is on the minus strand). VCF-style: chr22-17207107-C-T. GRCh37 (hg19) VCF-style: chr22-17687997-C-T.
Other names: ADA2, ARG169GLN (rs77563738); c.506G>A, p.Arg169Gln (NM_001282226.2); c.380G>A, p.Arg127Gln (NM_001282227.2, NM_001282228.2); c.146G>A, p.Arg49Gln (NM_001282229.2); short protein forms R169Q, R127Q, R49Q.
Identifiers: ClinVar variation 120303 (VCV000120303.92), dbSNP rs77563738, ClinGen allele CA150808.